The following is an entry in ClinVar:

NM_001613.4(ACTA2):c.995T>C (p.Ile332Thr)

Genes: ACTA2-AS1 (ACTA2 antisense RNA 1; plus strand), ACTA2 (actin alpha 2, smooth muscle; minus strand). Cytogenetic location: 10q23.31.
Variant type: single nucleotide variant.
Coding change: c.995T>C on transcript NM_001613.4 (MANE Select); coding-DNA position 995, T replaced by C.
Protein change: p.Ile332Thr; replaces isoleucine 332 with threonine.
Molecular consequence: missense variant. On other transcripts: non-coding transcript variant (1).
Genome position (GRCh38, 1-based): chr10:88,935,362, A>G on the plus strand (T>C on the coding strand, the complement: ACTA2 is on the minus strand). VCF-style: chr10-88935362-A-G. GRCh37 (hg19) VCF-style: chr10-90695119-A-G.
Other names: p.Ile332Thr; c.995T>C, p.Ile332Thr (NM_001141945.3, NM_001320855.2, NM_001406462.1 and 2 more transcripts); c.884T>C, p.Ile295Thr (NM_001406466.1); c.866T>C, p.Ile289Thr (NM_001406467.1, NM_001406468.1, NM_001406469.1); c.803T>C, p.Ile268Thr (NM_001406471.1); short protein forms I332T, I295T, I268T, I289T.
Identifiers: ClinVar variation 519581 (VCV000519581.10), dbSNP rs1314144330, ClinGen allele CA377510621.

ClinVar aggregate classification (germline): Uncertain significance. Review status: criteria provided, multiple submitters, no conflicts (2 of 4 stars). 4 submissions from 4 submitters: Uncertain significance (4). Last evaluated 2025-05-20.

Conditions:
Familial thoracic aortic aneurysm and aortic dissection (TAAD). Also called: Thoracic aortic aneurysms and dissections. Identifiers: Orphanet 91387, MedGen C4707243, MONDO:0019625.

Allele frequency attached by ClinVar (database versions not stated): TOPMed below 0.00001; gnomAD 0.00001; gnomAD exomes 0.00001.
gnomAD v4.1: 9 of 1,613,636 alleles (0.00056%); highest among the groups gnomAD compares: Non-Finnish European, 0.00068%; no homozygotes.

Submissions (4):

Color Diagnostics, LLC DBA Color Health
Classification: Uncertain significance for Familial thoracic aortic aneurysm and aortic dissection. Last evaluated: 2025-05-20. Review status: criteria provided, single submitter. Criteria: ACMG Guidelines, 2015. Collection method: clinical testing. Allele origin: germline.
Comment: This missense variant replaces isoleucine with threonine at codon 332 of the ACTA2 protein. Computational prediction suggests that this variant may have deleterious impact on protein structure and function. To our knowledge, functional studies have not been reported for this variant. This variant has not been reported in individuals affected with ACTA2-related disorders in the literature. This variant has not been identified in the general population by the Genome Aggregation Database (gnomAD). The available evidence is insufficient to determine the role of this variant in disease conclusively. Therefore, this variant is classified as a Variant of Uncertain Significance.

GeneDx
Classification: Uncertain significance. Last evaluated: 2024-02-27. Review status: criteria provided, single submitter. Criteria: GeneDx Variant Classification Process June 2021. Collection method: clinical testing. Allele origin: germline. Affected: yes.
Comment: Not observed at significant frequency in large population cohorts (gnomAD); In silico analysis supports that this missense variant does not alter protein structure/function; Has not been previously published as pathogenic or benign to our knowledge

Mayo Clinic Laboratories, Mayo Clinic
Classification: Uncertain significance. Last evaluated: 2023-07-17. Review status: criteria provided, single submitter. Criteria: ACMG Guidelines, 2015. Collection method: clinical testing. Allele origin: germline. Observed: 1 variant allele.
Comment: PP2, PP3, PM2

Ambry Genetics
Classification: Uncertain significance for Familial thoracic aortic aneurysm and aortic dissection. Last evaluated: 2017-04-13. Review status: criteria provided, single submitter. Criteria: Ambry Variant Classification Scheme 2023. Collection method: clinical testing. Allele origin: germline.
Comment: The p.I332T variant (also known as c.995T>C), located in coding exon 8 of the ACTA2 gene, results from a T to C substitution at nucleotide position 995. The isoleucine at codon 332 is replaced by threonine, an amino acid with similar properties. This amino acid position is highly conserved in available vertebrate species. In addition, this alteration is predicted to be deleterious by in silico analysis. Since supporting evidence is limited at this time, the clinical significance of this alteration remains unclear.